The following is an entry in ClinVar:

NM_000051.4(ATM):c.9054del (p.Gly3019fs)

Genes: ATM (ATM serine/threonine kinase; plus strand), C11orf65 (chromosome 11 open reading frame 65; minus strand). Cytogenetic location: 11q22.3.
Variant type: Deletion.
Coding change: c.9054del on transcript NM_000051.4 (MANE Select); coding-DNA position 9054, one base deleted (A; older notation c.9054delA).
Protein change: p.Gly3019fs; shifts the reading frame from glycine 3019.
Molecular consequence: frameshift variant. On other transcripts: intron variant (2).
Genome position (GRCh38, 1-based): chr11:108,365,391, A deleted; the last of 3 consecutive A bases (chr11:108,365,389-108,365,391); deleting any one gives the same sequence. VCF-style (leftmost placement, unchanged base first): chr11-108365388-GA-G. GRCh37 (hg19) VCF-style: chr11-108236115-GA-G.
Other names: c.9054del, p.Gly3019fs (NM_001351834.2); c.640+20531del (NM_001330368.2); c.694+20531del (NM_001351110.2); short protein forms G3019fs.
Identifiers: ClinVar variation 2568232 (VCV002568232.2), dbSNP rs2547684184, ClinGen allele CA2580615044.

ClinVar aggregate classification (germline): Likely pathogenic (1 of 4 stars; one submission).

Conditions:
Hereditary cancer-predisposing syndrome. Also called: Hereditary Cancer Syndrome; Hereditary neoplastic syndrome; Neoplastic Syndromes, Hereditary; Tumor predisposition. Identifiers: Orphanet 140162, MedGen C0027672, MeSH D009386, MONDO:0015356.

Submission:

Ambry Genetics
Classification: Likely pathogenic for Hereditary cancer-predisposing syndrome. Last evaluated: 2023-06-07. Review status: criteria provided, single submitter. Criteria: Ambry Variant Classification Scheme 2023. Collection method: clinical testing. Allele origin: germline.
Comment: The c.9054delA variant, located in coding exon 62 of the ATM gene, results from a deletion of one nucleotide at nucleotide position 9054, causing a translational frameshift with a predicted alternate stop codon (p.G3019Efs*14). This alteration occurs at the 3' terminus of ATM gene, is not expected to trigger nonsense-mediated mRNA decay, and only impacts the last 38 amino acids of the protein. However, premature stop codons are typically deleterious in nature and the impacted region is critical for protein function (Ambry internal data). This variant is considered to be rare based on population cohorts in the Genome Aggregation Database (gnomAD). Based on the majority of available evidence to date, this variant is likely to be pathogenic.